The following is an entry in ClinVar:

NM_000264.5(PTCH1):c.3899A>T (p.Gln1300Leu)

Gene: PTCH1 (patched 1; minus strand). Cytogenetic location: 9q22.32.
Variant type: single nucleotide variant.
Coding change: c.3899A>T on transcript NM_000264.5 (MANE Select); coding-DNA position 3899, A replaced by T.
Protein change: p.Gln1300Leu; replaces glutamine 1300 with leucine.
Molecular consequence: missense variant. On other transcripts: non-coding transcript variant (1).
Genome position (GRCh38, 1-based): chr9:95,447,357, T>A on the plus strand (A>T on the coding strand, the complement: PTCH1 is on the minus strand). VCF-style: chr9-95447357-T-A. GRCh37 (hg19) VCF-style: chr9-98209639-T-A.
Other names: p.Gln1300Leu; c.3701A>T, p.Gln1234Leu (NM_001083602.3); c.3896A>T, p.Gln1299Leu (NM_001083603.3); c.3446A>T, p.Gln1149Leu (NM_001083604.3, NM_001083605.3, NM_001083606.3 and 1 more transcripts); c.3743A>T, p.Gln1248Leu (NM_001354918.2); short protein forms Q1149L, Q1234L, Q1248L, Q1299L, Q1300L.
Identifiers: ClinVar variation 824349 (VCV000824349.15), dbSNP rs769680080, ClinGen allele CA5138014.

ClinVar aggregate classification (germline): Conflicting classifications of pathogenicity. Review status: criteria provided, conflicting classifications (1 of 4 stars). 3 submissions from 3 submitters: Uncertain significance (1); Likely benign (2). Last evaluated 2025-11-03.

Conditions:
Hereditary cancer-predisposing syndrome. Also called: Neoplastic Syndromes, Hereditary; Hereditary Cancer Syndrome; Hereditary neoplastic syndrome; Tumor predisposition. Identifiers: Orphanet 140162, MedGen C0027672, MeSH D009386, MONDO:0015356.
Gorlin syndrome. Also called: Nevoid Basal Cell Carcinoma Syndrome; Basal cell nevus syndrome. Identifiers: Orphanet 377, MedGen C0004779, MONDO:0007187.

Allele frequency attached by ClinVar (database versions not stated): gnomAD exomes below 0.00001; TOPMed below 0.00001; ExAC 0.00001; gnomAD 0.00001.
gnomAD v4.1: 6 of 1,613,326 alleles (0.00037%); highest among the groups gnomAD compares: Non-Finnish European, 0.00051%; no homozygotes.

Submissions (3):

Labcorp Genetics (formerly Invitae), Labcorp
Classification: Likely benign for Gorlin syndrome. Last evaluated: 2025-11-03. Review status: criteria provided, single submitter. Criteria: Invitae Variant Classification Sherloc (09022015). Collection method: clinical testing. Allele origin: germline.

Mayo Clinic Laboratories, Mayo Clinic
Classification: Uncertain significance. Last evaluated: 2024-10-04. Review status: criteria provided, single submitter. Criteria: ACMG Guidelines, 2015. Collection method: clinical testing. Allele origin: germline. Observed: 1 variant allele.
Comment: BP4, PM2_supporting

Ambry Genetics
Classification: Likely benign for Hereditary cancer-predisposing syndrome. Last evaluated: 2023-04-20. Review status: criteria provided, single submitter. Criteria: Ambry Variant Classification Scheme 2023. Collection method: clinical testing. Allele origin: germline.